The following is an entry in ClinVar:

NM_014780.5(CUL7):c.109G>A (p.Glu37Lys)

Gene: CUL7 (cullin 7; minus strand). Cytogenetic location: 6p21.1.
Variant type: single nucleotide variant.
Coding change: c.109G>A on transcript NM_014780.5 (MANE Select); coding-DNA position 109, G replaced by A.
Protein change: p.Glu37Lys; replaces glutamic acid 37 with lysine.
Molecular consequence: missense variant.
Genome position (GRCh38, 1-based): chr6:43,052,680, C>T on the plus strand (G>A on the coding strand, the complement: CUL7 is on the minus strand). VCF-style: chr6-43052680-C-T. GRCh37 (hg19) VCF-style: chr6-43020418-C-T.
Other names: c.109G>A, p.Glu37Lys (NM_001168370.2, NM_001374872.1, NM_001374873.1 and 1 more transcripts); short protein forms E37K.
Identifiers: ClinVar variation 2093366 (VCV002093366.4), dbSNP rs1764524509, ClinGen allele CA364230809.

ClinVar aggregate classification (germline): Uncertain significance (1 of 4 stars; one submission).

Allele frequency attached by ClinVar (database versions not stated): gnomAD exomes below 0.00001.
gnomAD v4.1: 3 of 1,614,166 alleles (0.00019%); highest among the groups gnomAD compares: Non-Finnish European, 0.00025%; no homozygotes.

Submission:

Labcorp Genetics (formerly Invitae), Labcorp
Classification: Uncertain significance. Last evaluated: 2022-02-05. Review status: criteria provided, single submitter. Criteria: Invitae Variant Classification Sherloc (09022015). Collection method: clinical testing. Allele origin: germline.
Comment: This sequence change replaces glutamic acid, which is acidic and polar, with lysine, which is basic and polar, at codon 37 of the CUL7 protein (p.Glu37Lys). In summary, the available evidence is currently insufficient to determine the role of this variant in disease. Therefore, it has been classified as a Variant of Uncertain Significance. Algorithms developed to predict the effect of missense changes on protein structure and function are either unavailable or do not agree on the potential impact of this missense change (SIFT: "Deleterious"; PolyPhen-2: "Probably Damaging"; Align-GVGD: "Class C0"). This variant has not been reported in the literature in individuals affected with CUL7-related conditions. This variant is not present in population databases (gnomAD no frequency).